The following is an entry in ClinVar:

ClinVar aggregate classification (germline): Uncertain significance (1 of 4 stars; one submission).

Conditions:
TOP3A-related disorder. Also called: TOP3A-related condition; TOP3A-related disorders.

Submission:

3billion
Classification: Uncertain significance for TOP3A-related disorder. Last evaluated: 2025-02-06. Review status: criteria provided, single submitter. Criteria: ACMG Guidelines, 2015. Collection method: clinical testing. Allele origin: germline. Affected: yes.
Comment: The variant is observed at an extremely low frequency in the gnomAD v4.1.0 dataset (total allele frequency: <0.001%). Predicted Consequence/Location: Intron variant Prediction of the variant to alter splicing and produce an abnormal transcript by In silico tools is uncertain [SpliceAI: 0.11 (spliceogenicity >=0.2, non-spliceogenicity <0.1)]. Therefore, this variant is classified as VUS according to the recommendation of ACMG/AMP guideline.

NM_004618.5(TOP3A):c.1073+4_1073+7del

Gene: TOP3A (DNA topoisomerase III alpha; minus strand). Cytogenetic location: 17p11.2.
Variant type: Deletion.
Coding change: c.1073+4_1073+7del on transcript NM_004618.5 (MANE Select); bases 4 to 7 of the intron after coding-DNA position 1073, 4 bases deleted (AGTA; older notation c.1073+4_1073+7delAGTA).
Molecular consequence: splice donor variant.
Genome position (GRCh38, 1-based): chr17:18,294,696-18,294,699, TACT deleted on the plus strand (AGTA on the coding strand, the reverse complement: TOP3A is on the minus strand); deleting any 4 consecutive bases within chr17:18,294,696-18,294,702 gives the same sequence; the c. name uses the placement nearest the transcript's 3' end. VCF-style (leftmost placement, unchanged base first): chr17-18294695-ATACT-A. GRCh37 (hg19) VCF-style: chr17-18198009-ATACT-A.
Other names: c.788+4_788+7del (NM_001320759.2).
Identifiers: ClinVar variation 4291899 (VCV004291899.1).